The following is an entry in ClinVar:

NM_001283009.2(RTEL1):c.3502C>T (p.Pro1168Ser)

Genes: RTEL1 (regulator of telomere elongation helicase 1; plus strand), RTEL1-TNFRSF6B (RTEL1-TNFRSF6B readthrough (NMD candidate); plus strand). Cytogenetic location: 20q13.33.
Variant type: single nucleotide variant.
Coding change: c.3502C>T on transcript NM_001283009.2 (MANE Select); coding-DNA position 3502, C replaced by T.
Protein change: p.Pro1168Ser; replaces proline 1168 with serine.
Molecular consequence: missense variant. On other transcripts: non-coding transcript variant (1).
Genome position (GRCh38, 1-based): chr20:63,695,330, C>T. VCF-style: chr20-63695330-C-T. GRCh37 (hg19) VCF-style: chr20-62326683-C-T.
Other names: c.2833C>T, p.Pro945Ser (NM_001283010.1); c.3502C>T, p.Pro1168Ser (NM_016434.4); c.3574C>T, p.Pro1192Ser (NM_032957.5); short protein forms P945S, P1168S, P1192S.
Identifiers: ClinVar variation 3436020 (VCV003436020.3).

ClinVar aggregate classification (germline): Uncertain significance. Review status: criteria provided, multiple submitters, no conflicts (2 of 4 stars). 2 submissions from 2 submitters: Uncertain significance (2). Last evaluated 2024-12-03.

Conditions:
Dyskeratosis congenita, autosomal recessive 5 (DKCB5). Identifiers: MedGen C3554656, MONDO:0014076, OMIM 615190.
Pulmonary fibrosis and/or bone marrow failure, Telomere-related, 3. Also called: PULMONARY FIBROSIS AND/OR BONE MARROW FAILURE SYNDROME, TELOMERE-RELATED, 3. Identifiers: Orphanet 2032, MedGen C4225346, MONDO:0014613, OMIM 616373.
Inborn genetic diseases. Identifiers: MedGen C0950123, MeSH D030342.

gnomAD v4.1: 5 of 1,559,812 alleles (0.00032%); highest among the groups gnomAD compares: African/African-American, 0.0014%; no homozygotes.

Submissions (2):

Ambry Genetics
Classification: Uncertain significance for Inborn genetic diseases. Last evaluated: 2024-12-03. Review status: criteria provided, single submitter. Criteria: Ambry Variant Classification Scheme 2023. Collection method: clinical testing. Allele origin: germline.
Comment: The p.P1168S variant (also known as c.3502C>T), located in coding exon 33 of the RTEL1 gene, results from a C to T substitution at nucleotide position 3502. The proline at codon 1168 is replaced by serine, an amino acid with similar properties. This amino acid position is conserved. In addition, this alteration is predicted to be tolerated by in silico analysis. Based on the available evidence, the clinical significance of this variant remains unclear.

Labcorp Genetics (formerly Invitae), Labcorp
Classification: Uncertain significance for Dyskeratosis congenita, autosomal recessive 5; Pulmonary fibrosis and/or bone marrow failure, Telomere-related, 3. Last evaluated: 2024-08-18. Review status: criteria provided, single submitter. Criteria: Invitae Variant Classification Sherloc (09022015). Collection method: clinical testing. Allele origin: germline.
Comment: This sequence change replaces proline, which is neutral and non-polar, with serine, which is neutral and polar, at codon 1168 of the RTEL1 protein (p.Pro1168Ser). This variant is present in population databases (rs368747623, gnomAD 0.002%). This variant has not been reported in the literature in individuals affected with RTEL1-related conditions. An algorithm developed to predict the effect of missense changes on protein structure and function outputs the following: PolyPhen-2: "Benign". The serine amino acid residue is found in multiple mammalian species, which suggests that this missense change does not adversely affect protein function. In summary, the available evidence is currently insufficient to determine the role of this variant in disease. Therefore, it has been classified as a Variant of Uncertain Significance.